The following is an entry in ClinVar:

NM_000138.5(FBN1):c.3839-3C>G

Gene: FBN1 (fibrillin 1; minus strand). Cytogenetic location: 15q21.1.
Variant type: single nucleotide variant.
Coding change: c.3839-3C>G on transcript NM_000138.5 (MANE Select); 3 bases into the intron before coding-DNA position 3839, C replaced by G.
Molecular consequence: intron variant.
Genome position (GRCh38, 1-based): chr15:48,481,783, G>C on the plus strand (C>G on the coding strand, the complement: FBN1 is on the minus strand). VCF-style: chr15-48481783-G-C. GRCh37 (hg19) VCF-style: chr15-48773980-G-C.
Other names: c.3839-3C>G (NM_001406716.1).
Identifiers: ClinVar variation 4526479 (VCV004526479.1).

ClinVar aggregate classification (germline): Uncertain significance (1 of 4 stars; one submission).

Submission:

GeneDx
Classification: Uncertain significance. Last evaluated: 2025-09-09. Review status: criteria provided, single submitter. Criteria: GeneDx Variant Classification Process June 2021. Collection method: clinical testing. Allele origin: germline. Affected: yes.
Comment: Not observed at significant frequency in large population cohorts (gnomAD); In silico analysis supports a deleterious effect on splicing; Has not been previously published as pathogenic or benign to our knowledge